The following is an entry in ClinVar:

ClinVar aggregate classification (germline): Uncertain significance (1 of 4 stars; one submission).

Submission:

Labcorp Genetics (formerly Invitae), Labcorp
Classification: Uncertain significance. Last evaluated: 2025-06-11. Review status: criteria provided, single submitter. Criteria: Invitae Variant Classification Sherloc (09022015). Collection method: clinical testing. Allele origin: germline.
Comment: This sequence change replaces threonine, which is neutral and polar, with isoleucine, which is neutral and non-polar, at codon 711 of the C3 protein (p.Thr711Ile). This variant is not present in population databases (gnomAD no frequency). This variant has not been reported in the literature in individuals affected with C3-related conditions. Invitae Evidence Modeling of protein sequence and biophysical properties (such as structural, functional, and spatial information, amino acid conservation, physicochemical variation, residue mobility, and thermodynamic stability) indicates that this missense variant is not expected to disrupt C3 protein function with a negative predictive value of 80%. In summary, the available evidence is currently insufficient to determine the role of this variant in disease. Therefore, it has been classified as a Variant of Uncertain Significance.

NM_000064.4(C3):c.2132C>T (p.Thr711Ile)

Gene: C3 (complement C3; minus strand). Cytogenetic location: 19p13.3.
Variant type: single nucleotide variant.
Coding change: c.2132C>T on transcript NM_000064.4 (MANE Select); coding-DNA position 2132, C replaced by T.
Protein change: p.Thr711Ile; replaces threonine 711 with isoleucine.
Molecular consequence: missense variant.
Genome position (GRCh38, 1-based): chr19:6,707,189, G>A on the plus strand (C>T on the coding strand, the complement: C3 is on the minus strand). VCF-style: chr19-6707189-G-A. GRCh37 (hg19) VCF-style: chr19-6707200-G-A.
Other names: short protein forms T711I.
Identifiers: ClinVar variation 4811202 (VCV004811202.1).